The following is an entry in ClinVar:

ClinVar aggregate classification (germline): Uncertain significance (1 of 4 stars; one submission).

Conditions:
Early-infantile DEE. Also called: Early infantile epileptic encephalopathy; Ohtahara syndrome; Early infantile epileptic encephalopathy with suppression bursts. Identifiers: Orphanet 1934, MedGen C0393706, MONDO:0800491.

Submission:

Labcorp Genetics (formerly Invitae), Labcorp
Classification: Uncertain significance for Early-infantile DEE. Last evaluated: 2025-07-27. Review status: criteria provided, single submitter. Criteria: Invitae Variant Classification Sherloc (09022015). Collection method: clinical testing. Allele origin: germline.
Comment: This sequence change affects codon 837 of the KCNQ2 mRNA. It is a 'silent' change, meaning that it does not change the encoded amino acid sequence of the KCNQ2 protein. This variant is not present in population databases (gnomAD no frequency). This variant has not been reported in the literature in individuals affected with KCNQ2-related conditions. Algorithms developed to predict the effect of sequence changes on RNA splicing suggest that this variant may create or strengthen a splice site. In summary, the available evidence is currently insufficient to determine the role of this variant in disease. Therefore, it has been classified as a Variant of Uncertain Significance.

NM_172107.4(KCNQ2):c.2511A>T (p.Gly837=)

Gene: KCNQ2 (potassium voltage-gated channel subfamily Q member 2; minus strand). Cytogenetic location: 20q13.33.
Variant type: single nucleotide variant.
Coding change: c.2511A>T on transcript NM_172107.4 (MANE Select); coding-DNA position 2511, A replaced by T.
Protein change: p.Gly837=; no amino-acid change (glycine 837 retained).
Molecular consequence: synonymous variant.
Genome position (GRCh38, 1-based): chr20:63,406,752, T>A on the plus strand (A>T on the coding strand, the complement: KCNQ2 is on the minus strand). VCF-style: chr20-63406752-T-A. GRCh37 (hg19) VCF-style: chr20-62038105-T-A.
Other names: c.2565A>T, p.Gly855= (NM_001382235.1); c.2454A>T, p.Gly818= (NM_001439003.1); c.2424A>T, p.Gly808= (NM_001439004.1); c.2427A>T, p.Gly809= (NM_004518.6); c.2457A>T, p.Gly819= (NM_172106.3); c.2418A>T, p.Gly806= (NM_172108.5).
Identifiers: ClinVar variation 4723440 (VCV004723440.1).